The following is an entry in ClinVar:

ClinVar aggregate classification (germline): Uncertain significance. Review status: criteria provided, single submitter (1 of 4 stars). 2 submissions from 2 submitters: Uncertain significance (1). 1 of the submissions does not count toward it. Last evaluated 2025-12-11.

Conditions:
PLCG2-related disorder. Also called: PLCG2-related condition.
Familial cold autoinflammatory syndrome 3 (FCAS3). Also called: FAMILIAL ATYPICAL COLD URTICARIA; ANTIBODY DEFICIENCY AND IMMUNE DYSREGULATION, PLCG2-ASSOCIATED. Identifiers: Orphanet 300359, MedGen C3280914, MONDO:0013766, OMIM 614468.

Allele frequency attached by ClinVar (database versions not stated): gnomAD 0.00001; gnomAD exomes 0.00001; TOPMed 0.00001; ExAC 0.00002.
gnomAD v4.1: 12 of 1,613,976 alleles (0.00074%); highest among the groups gnomAD compares: South Asian, 0.0022%; no homozygotes.

Submissions (2):

Labcorp Genetics (formerly Invitae), Labcorp
Classification: Uncertain significance for Familial cold autoinflammatory syndrome 3. Last evaluated: 2025-12-11. Review status: criteria provided, single submitter. Criteria: Invitae Variant Classification Sherloc (09022015). Collection method: clinical testing. Allele origin: germline.
Comment: This sequence change replaces arginine, which is basic and polar, with tryptophan, which is neutral and slightly polar, at codon 697 of the PLCG2 protein (p.Arg697Trp). This variant is present in population databases (rs763556693, gnomAD 0.003%). This missense change has been observed in individual(s) with PLCG2-related conditions (PMID: 37769878). ClinVar contains an entry for this variant (Variation ID: 2189370). An algorithm developed to predict the effect of missense changes on protein structure and function (PolyPhen-2) suggests that this variant is likely to be disruptive. Experimental studies have shown that this missense change does not substantially affect PLCG2 function (PMID: 37769878). In summary, the available evidence is currently insufficient to determine the role of this variant in disease. Therefore, it has been classified as a Variant of Uncertain Significance.

PreventionGenetics, part of Exact Sciences
Classification: Uncertain significance for PLCG2-related condition. Last evaluated: 2023-12-19. Review status: no assertion criteria provided. Collection method: clinical testing. Allele origin: germline. Not counted in ClinVar's aggregate classification.
Comment: The PLCG2 c.2089C>T variant is predicted to result in the amino acid substitution p.Arg697Trp. This variant was reported in an individual with autoinflammatory PLCG2-associated antibody deficiency and immune dysregulation (APLAID) (Baysac et al. 2023. PubMed ID: 37769878). Based on experimental studies, the p.Arg697Trp substitution was described as a constitutively active hypermorphic variant (Baysac et al. 2023. PubMed ID: 37769878). This variant is reported in 0.0029% of alleles in individuals of Latino descent in gnomAD. At this time, the clinical significance of this variant is uncertain due to the absence of conclusive functional and genetic evidence.

Literature cited by the submitters: PubMed 37769878 (cited by Labcorp Genetics (formerly Invitae), Labcorp).

NM_002661.5(PLCG2):c.2089C>T (p.Arg697Trp)

Gene: PLCG2 (phospholipase C gamma 2; plus strand). Cytogenetic location: 16q23.3.
Variant type: single nucleotide variant.
Coding change: c.2089C>T on transcript NM_002661.5 (MANE Select); coding-DNA position 2089, C replaced by T.
Protein change: p.Arg697Trp; replaces arginine 697 with tryptophan.
Molecular consequence: missense variant.
Genome position (GRCh38, 1-based): chr16:81,919,518, C>T. VCF-style: chr16-81919518-C-T. GRCh37 (hg19) VCF-style: chr16-81953123-C-T.
Other names: c.2089C>T (NM_002661.4); short protein forms R697W.
Identifiers: ClinVar variation 2189370 (VCV002189370.6), dbSNP rs763556693, ClinGen allele CA8194083.